The following is an entry in ClinVar:

ClinVar aggregate classification (germline): Likely pathogenic (1 of 4 stars; one submission).

Conditions:
KBG syndrome (KBGS). Also called: ANKRD11-Related KBG Syndrome. Identifiers: Orphanet 2332, MedGen C0220687, MONDO:0007846, OMIM 148050.

Submission:

Women's Health and Genetics/Laboratory Corporation of America, LabCorp
Classification: Likely pathogenic for KBG syndrome. Last evaluated: 2024-02-09. Review status: criteria provided, single submitter. Criteria: LabCorp Variant Classification Summary - May 2015. Collection method: clinical testing. Allele origin: germline.
Comment: Variant summary: ANKRD11 c.7535G>C (p.Arg2512Pro) results in a non-conservative amino acid change in the encoded protein sequence. Five of five in-silico tools predict a damaging effect of the variant on protein function. The variant was absent in 245914 control chromosomes. The available data on variant occurrences in the general population are insufficient to allow any conclusion about variant significance. To our knowledge, no occurrence of c.7535G>C in individuals affected with KBG Syndrome and no experimental evidence demonstrating its impact on protein function have been reported. Other missense variants in the same residue (R2512Q, R2512W) have been classified as pathogenic/likely pathogenic in ClinVar, supporting the functional importance of this residue of the protein. No submitters have cited clinical-significance assessments for this variant to ClinVar. Based on the evidence outlined above, the variant was classified as likely pathogenic.

NM_013275.6(ANKRD11):c.7535G>C (p.Arg2512Pro)

Gene: ANKRD11 (ankyrin repeat domain 11; minus strand). Cytogenetic location: 16q24.3.
Variant type: single nucleotide variant.
Coding change: c.7535G>C on transcript NM_013275.6 (MANE Select); coding-DNA position 7535, G replaced by C.
Protein change: p.Arg2512Pro; replaces arginine 2512 with proline.
Molecular consequence: missense variant.
Genome position (GRCh38, 1-based): chr16:89,275,127, C>G on the plus strand (G>C on the coding strand, the complement: ANKRD11 is on the minus strand). VCF-style: chr16-89275127-C-G. GRCh37 (hg19) VCF-style: chr16-89341535-C-G.
Other names: c.7535G>C, p.Arg2512Pro (NM_001256182.2, NM_001256183.2); short protein forms R2512P.
Identifiers: ClinVar variation 3069076 (VCV003069076.2), dbSNP rs2033535934, ClinGen allele CA397147847.